The following is an entry in ClinVar:

ClinVar aggregate classification (germline): Benign/Likely benign. Review status: criteria provided, multiple submitters, no conflicts (2 of 4 stars). 3 submissions from 3 submitters: Benign (1); Likely benign (1). 1 of the submissions does not count toward it. Last evaluated 2026-01-27.

Conditions:
YME1L1-related disorder. Also called: YME1L1-related condition.

Submissions (3):

Labcorp Genetics (formerly Invitae), Labcorp
Classification: Benign. Last evaluated: 2026-01-27. Review status: criteria provided, single submitter. Criteria: Invitae Variant Classification Sherloc (09022015). Collection method: clinical testing. Allele origin: germline.

Blueprint Genetics
Classification: Likely benign. Last evaluated: 2024-11-18. Review status: criteria provided, single submitter. Criteria: ACMG Guidelines, 2015. Collection method: clinical testing. Allele origin: germline.

PreventionGenetics, part of Exact Sciences
Classification: Benign for YME1L1-related condition. Last evaluated: 2024-08-14. Review status: no assertion criteria provided. Collection method: clinical testing. Allele origin: germline. Not counted in ClinVar's aggregate classification.
Comment: This variant is classified as benign based on ACMG/AMP sequence variant interpretation guidelines (Richards et al. 2015 PMID: 25741868, with internal and published modifications).

NM_014263.4(YME1L1):c.692-10TC[2]

Gene: YME1L1 (YME1 like 1 ATPase; minus strand). Cytogenetic location: 10p12.1.
Variant type: Microsatellite.
Coding change: c.692-10TC[2] on transcript NM_014263.4 (MANE Select); two copies in a row of the 2-base unit TC starting at c.692-10; the reference has three copies in a row; one copy, 2 bases deleted.
Molecular consequence: intron variant.
Genome position (GRCh38, 1-based): chr10:27,134,127-27,134,128, GA deleted on the plus strand (TC on the coding strand, the reverse complement: YME1L1 is on the minus strand); deleting any 2 consecutive bases within chr10:27,134,127-27,134,132 gives the same sequence; the position shown is the placement nearest the transcript's 3' end. VCF-style (leftmost placement, unchanged base first): chr10-27134126-GGA-G. GRCh37 (hg19) VCF-style: chr10-27423055-GGA-G.
Other names: c.692-6_692-5delTC (NM_014263.3); c.593-10TC[2] (NM_001253866.2); c.863-10TC[2] (NM_139312.3); c.863-6_863-5del (NM_139312.2).
Identifiers: ClinVar variation 773515 (VCV000773515.11), dbSNP rs201208519, ClinGen allele CA5449517.